The following is an entry in ClinVar:

ClinVar aggregate classification (germline): Benign/Likely benign. Review status: criteria provided, multiple submitters, no conflicts (2 of 4 stars). 2 submissions from 2 submitters: Benign (1); Likely benign (1). Last evaluated 2026-01-21.

Conditions:
Myofibrillar myopathy 5. Also called: FILAMINOPATHY, AUTOSOMAL DOMINANT; Filaminopathy (type). Identifiers: Orphanet 171445, MedGen C1836050, MONDO:0012289, OMIM 609524.
Distal myopathy with posterior leg and anterior hand involvement. Also called: WILLIAMS DISTAL MYOPATHY. Identifiers: Orphanet 63273, MedGen C3279722, MONDO:0013550, OMIM 614065.
Hypertrophic cardiomyopathy 26. Also called: Cardiomyopathy, familial hypertrophic, 26. Identifiers: Orphanet 75249, MedGen C4310749, MONDO:0014883, OMIM 617047.

Allele frequency attached by ClinVar (database versions not stated): TOPMed 0.00002.
gnomAD v4.1: 20 of 1,613,990 alleles (0.0012%); highest among the groups gnomAD compares: Non-Finnish European, 0.0014%; no homozygotes.

Submissions (2):

Labcorp Genetics (formerly Invitae), Labcorp
Classification: Likely benign for Distal myopathy with posterior leg and anterior hand involvement; Myofibrillar myopathy 5; Hypertrophic cardiomyopathy 26. Last evaluated: 2026-01-21. Review status: criteria provided, single submitter. Criteria: Invitae Variant Classification Sherloc (09022015). Collection method: clinical testing. Allele origin: germline.

Women's Health and Genetics/Laboratory Corporation of America, LabCorp
Classification: Benign. Last evaluated: 2025-04-15. Review status: criteria provided, single submitter. Criteria: LabCorp Variant Classification Summary - May 2015. Collection method: clinical testing. Allele origin: germline.
Comment: Variant summary: FLNC c.4952-9G>A alters a nucleotide located at a position not widely known to affect splicing. Consensus agreement among computation tools predict no significant impact on normal splicing. However, these predictions have yet to be confirmed by functional studies. The variant allele was found at a frequency of 1.2e-05 in 1613990 control chromosomes (gnomAD v4.1). The observed variant frequency is approximately 1.6 fold of the estimated maximal expected allele frequency for a pathogenic variant in FLNC causing Dilated Cardiomyopathy phenotype (7.8e-06). To our knowledge, no occurrence of c.4952-9G>A in individuals affected with Dilated Cardiomyopathy and no experimental evidence demonstrating its impact on protein function have been reported. ClinVar contains an entry for this variant (Variation ID: 1043069). Based on the evidence outlined above, the variant was classified as benign.

NM_001458.5(FLNC):c.4952-9G>A

Gene: FLNC (filamin C; plus strand). Cytogenetic location: 7q32.1.
Variant type: single nucleotide variant.
Coding change: c.4952-9G>A on transcript NM_001458.5 (MANE Select); 9 bases into the intron before coding-DNA position 4952, G replaced by A.
Molecular consequence: intron variant.
Genome position (GRCh38, 1-based): chr7:128,849,322, G>A. VCF-style: chr7-128849322-G-A. GRCh37 (hg19) VCF-style: chr7-128489376-G-A.
Other names: c.4952-9G>A (NM_001127487.2).
Identifiers: ClinVar variation 1043069 (VCV001043069.9), dbSNP rs747821376, ClinGen allele CA4475527.